The following is an entry in ClinVar:

ClinVar aggregate classification (germline): Uncertain significance (1 of 4 stars; one submission).

Submission:

GeneDx
Classification: Uncertain significance. Last evaluated: 2024-06-25. Review status: criteria provided, single submitter. Criteria: GeneDx Variant Classification Process June 2021. Collection method: clinical testing. Allele origin: germline. Affected: yes.
Comment: Not observed at significant frequency in large population cohorts (gnomAD); In silico analysis indicates that this missense variant does not alter protein structure/function; Has not been previously published as pathogenic or benign to our knowledge

NM_004586.3(RPS6KA3):c.53C>A (p.Pro18Gln)

Genes: RPS6KA3 (ribosomal protein S6 kinase A3; minus strand), LOC130068032 (ATAC-STARR-seq lymphoblastoid silent region 20696; plus strand). Cytogenetic location: Xp22.12.
Variant type: single nucleotide variant.
Coding change: c.53C>A on transcript NM_004586.3 (MANE Select); coding-DNA position 53, C replaced by A.
Protein change: p.Pro18Gln; replaces proline 18 with glutamine.
Molecular consequence: missense variant.
Genome position (GRCh38, 1-based): chrX:20,266,580, G>T on the plus strand (C>A on the coding strand, the complement: RPS6KA3 is on the minus strand). VCF-style: chrX-20266580-G-T. GRCh37 (hg19) VCF-style: chrX-20284698-G-T.
Other names: short protein forms P18Q.
Identifiers: ClinVar variation 3392590 (VCV003392590.1).